The following is an entry in ClinVar:

ClinVar aggregate classification (germline): Conflicting classifications of pathogenicity. Review status: criteria provided, conflicting classifications (1 of 4 stars). 5 submissions from 5 submitters: Uncertain significance (1); Likely benign (4). Last evaluated 2026-01-08.

Conditions:
CACNB2-related disorder. Also called: CACNB2-related condition.
Cardiovascular phenotype. Identifiers: MedGen CN230736.
Brugada syndrome 4 (BRGDA4). Identifiers: Orphanet 130, MedGen C2678477, MONDO:0012743, OMIM 611876.

Allele frequency attached by ClinVar (database versions not stated): TOPMed 0.00014.
gnomAD v4.1: 172 of 1,613,820 alleles (0.011%); highest among the groups gnomAD compares: Admixed American, 0.25%; 1 homozygote.

Submissions (5):

Labcorp Genetics (formerly Invitae), Labcorp
Classification: Likely benign for Brugada syndrome 4. Last evaluated: 2026-01-08. Review status: criteria provided, single submitter. Criteria: Invitae Variant Classification Sherloc (09022015). Collection method: clinical testing. Allele origin: germline.

Ambry Genetics
Classification: Likely benign for Cardiovascular phenotype. Last evaluated: 2025-08-29. Review status: criteria provided, single submitter. Criteria: Ambry Variant Classification Scheme 2023. Collection method: clinical testing. Allele origin: germline.

PreventionGenetics, part of Exact Sciences
Classification: Likely benign for CACNB2-related condition. Last evaluated: 2025-05-01. Review status: criteria provided, single submitter. Criteria: ACMG Guidelines, 2015. Collection method: clinical testing. Allele origin: germline.
Comment: This variant is classified as likely benign based on ACMG/AMP sequence variant interpretation guidelines (Richards et al. 2015 PMID: 25741868, with internal and published modifications).

Women's Health and Genetics/Laboratory Corporation of America, LabCorp
Classification: Likely benign. Last evaluated: 2022-08-20. Review status: criteria provided, single submitter. Criteria: LabCorp Variant Classification Summary - May 2015. Collection method: clinical testing. Allele origin: germline.

Center for Genomics, Ann and Robert H. Lurie Children's Hospital of Chicago
Classification: Uncertain significance for Brugada syndrome 4. Last evaluated: 2021-03-30. Review status: criteria provided, single submitter. Criteria: ACMG Guidelines, 2015. Collection method: clinical testing. Allele origin: germline.
Comment: CACNB2 NM_201590.2 exon 13 p.Arg509Gln (c.1526G>A): This variant has not been reported in the literature but is present in 0.3% (134/34584) of Latino alleles in the Genome Aggregation Database, including one homozygote. This variant is present in ClinVar (Variation ID:469639). Evolutionary conservation and computational predictive tools for this variant are unclear. In summary, data on this variant is insufficient for disease classification. Therefore, the clinical significance of this variant is uncertain.

NM_201596.3(CACNB2):c.1688G>A (p.Arg563Gln)

Gene: CACNB2 (calcium voltage-gated channel auxiliary subunit beta 2; plus strand). Cytogenetic location: 10p12.31.
Variant type: single nucleotide variant.
Coding change: c.1688G>A on transcript NM_201596.3 (MANE Select); coding-DNA position 1688, G replaced by A.
Protein change: p.Arg563Gln; replaces arginine 563 with glutamine.
Molecular consequence: missense variant.
Genome position (GRCh38, 1-based): chr10:18,539,429, G>A. VCF-style: chr10-18539429-G-A. GRCh37 (hg19) VCF-style: chr10-18828358-G-A.
Other names: c.1523G>A, p.Arg508Gln (NM_000724.4); c.1490G>A, p.Arg497Gln (NM_001167945.2); c.1409G>A, p.Arg470Gln (NM_001330060.2); c.1544G>A, p.Arg515Gln (NM_201570.3); c.1604G>A, p.Arg535Gln (NM_201571.4); c.1532G>A, p.Arg511Gln (NM_201572.4); c.1526G>A, p.Arg509Gln (NM_201590.3); c.1574G>A, p.Arg525Gln (NM_201593.3); and 1 more; short protein forms R509Q, R563Q, R508Q, R525Q, R535Q, R497Q, R511Q, R470Q.
Identifiers: ClinVar variation 469639 (VCV000469639.17), dbSNP rs766377211, ClinGen allele CA5430129.